The following is an entry in ClinVar:

NM_000271.5(NPC1):c.2830G>A (p.Asp944Asn)

Gene: NPC1 (NPC intracellular cholesterol transporter 1; minus strand). Cytogenetic location: 18q11.2.
Variant type: single nucleotide variant.
Coding change: c.2830G>A on transcript NM_000271.5 (MANE Select); coding-DNA position 2830, G replaced by A.
Protein change: p.Asp944Asn; replaces aspartic acid 944 with asparagine.
Molecular consequence: missense variant.
Genome position (GRCh38, 1-based): chr18:23,539,436, C>T on the plus strand (G>A on the coding strand, the complement: NPC1 is on the minus strand). VCF-style: chr18-23539436-C-T. GRCh37 (hg19) VCF-style: chr18-21119400-C-T.
Other names: c.2830G>A (NM_000271.4); short protein forms D944N.
Identifiers: ClinVar variation 594885 (VCV000594885.7), dbSNP rs748837410, ClinGen allele CA8912946.
Genomic context (GRCh38, chr18:23,539,436, plus strand): 5'-CAGTGATATTGTCCACTCGACAGCAAGACGACTGTGGCTTCACCCAGTCGAAATAATCGT[C>T]GATCCAGGACGAGGGGGCGAAGCCTATTCGGGTACTAGAGAGGACAGACAGGGTTACTGA-3'
Protein context (NP_000262.2, residues 934-954): RIGFAPSSWI[Asp944Asn]DYFDWVKPQS

ClinVar aggregate classification (germline): Pathogenic. Review status: criteria provided, multiple submitters, no conflicts (2 of 4 stars). 2 submissions from 2 submitters: Pathogenic (2). Last evaluated 2025-10-15.

Conditions:
Niemann-Pick disease, type C1. Also called: NEUROVISCERAL STORAGE DISEASE WITH VERTICAL SUPRANUCLEAR OPHTHALMOPLEGIA; NIEMANN-PICK DISEASE WITH CHOLESTEROL ESTERIFICATION BLOCK; NIEMANN-PICK DISEASE WITHOUT SPHINGOMYELINASE DEFICIENCY; NIEMANN-PICK DISEASE, CHRONIC NEURONOPATHIC FORM; NIEMANN-PICK DISEASE, VARIANT TYPE C1. Identifiers: Orphanet 646, MedGen C3179455, MONDO:0009757, OMIM 257220.

Allele frequency attached by ClinVar (database versions not stated): ExAC 0.00002; gnomAD 0.00002; gnomAD exomes 0.00001.
gnomAD v4.1: 10 of 1,613,450 alleles (0.00062%); highest among the groups gnomAD compares: Admixed American, 0.01%; no homozygotes.

Submissions (2):

Natera, Inc.
Classification: Pathogenic for Niemann-Pick disease type C1. Last evaluated: 2025-10-15. Review status: criteria provided, single submitter. Criteria: Natera Variant Classification Schema (03/2026). Collection method: clinical testing. Allele origin: germline.
Comment: The c.2830G>A variant in NPC1 is a missense variant predicted to cause substitution of aspartic acid to asparagine at amino acid 944. This variant is rare in the general population with a frequency below the threshold expected for the associated phenotype(s). This variant has been observed in one or more individuals affected with the associated recessive disease, as either homozygous or compound heterozygous with a second variant (PMID: 26981555, 20718790, 22326530). Computational prediction algorithms indicate this variant is likely to affect gene or protein function. Given the available evidence, this variant is classified as Pathogenic.

Eurofins Ntd Llc (ga)
Classification: Pathogenic. Last evaluated: 2017-11-13. Review status: criteria provided, single submitter. Criteria: EGL Classification Definitions 2015. Collection method: clinical testing. Allele origin: germline. Observed: 1 variant allele, 1 homozygote.

Literature cited by the submitters: PubMed 26981555 (cited by Natera, Inc.); PubMed 20718790 (cited by Natera, Inc.); PubMed 22326530 (cited by Natera, Inc.).